The following is an entry in ClinVar:

ClinVar aggregate classification (germline): Uncertain significance (1 of 4 stars; one submission).

Conditions:
Cardiovascular phenotype. Identifiers: MedGen CN230736.

Submission:

Ambry Genetics
Classification: Uncertain significance for Cardiovascular phenotype. Last evaluated: 2025-10-05. Review status: criteria provided, single submitter. Criteria: Ambry Variant Classification Scheme 2023. Collection method: clinical testing. Allele origin: germline.
Comment: The p.P3816R variant (also known as c.11447C>G), located in coding exon 2 of the ZNF469 gene, results from a C to G substitution at nucleotide position 11447. The proline at codon 3816 is replaced by arginine, an amino acid with dissimilar properties. This amino acid position is conserved. In addition, this alteration is predicted to be tolerated by in silico analysis. Based on the available evidence, the clinical significance of this variant remains unclear.

NM_001127464.1:c.11447C>G

Gene: ZNF469 (zinc finger protein 469; plus strand).
Variant type: single nucleotide variant.
Identifiers: ClinVar variation 4615453 (VCV004615453.1).